The following is an entry in ClinVar:

NM_138694.4(PKHD1):c.4435_4436del (p.Phe1479fs)

Gene: PKHD1 (PKHD1 ciliary IPT domain containing fibrocystin/polyductin; minus strand). Cytogenetic location: 6p12.2.
Variant type: Deletion.
Coding change: c.4435_4436del on transcript NM_138694.4 (MANE Select); coding-DNA positions 4435 to 4436, 2 bases deleted (TT; older notation c.4435_4436delTT).
Protein change: p.Phe1479fs; shifts the reading frame from phenylalanine 1479.
Molecular consequence: frameshift variant.
Genome position (GRCh38, 1-based): chr6:52,025,374-52,025,375, AA deleted on the plus strand (TT on the coding strand, the reverse complement: PKHD1 is on the minus strand); deleting any 2 consecutive bases within chr6:52,025,374-52,025,377 gives the same sequence; the c. name uses the placement nearest the transcript's 3' end. VCF-style (leftmost placement, unchanged base first): chr6-52025373-GAA-G. GRCh37 (hg19) VCF-style: chr6-51890171-GAA-G.
Other names: p.Phe1479Hisfs*26; c.4435_4436del, p.Phe1479fs (NM_170724.3); short protein forms F1479fs.
Identifiers: ClinVar variation 3381009 (VCV003381009.1).

ClinVar aggregate classification (germline): Likely pathogenic (1 of 4 stars; one submission).

Submission:

Mayo Clinic Laboratories, Mayo Clinic
Classification: Likely pathogenic. Last evaluated: 2024-05-09. Review status: criteria provided, single submitter. Criteria: ACMG Guidelines, 2015. Collection method: clinical testing. Allele origin: germline. Observed: 1 variant allele.
Comment: PM2_moderate